The following is an entry in ClinVar:

ClinVar aggregate classification (germline): Uncertain significance (1 of 4 stars; one submission).

Submission:

Labcorp Genetics (formerly Invitae), Labcorp
Classification: Uncertain significance. Last evaluated: 2022-11-26. Review status: criteria provided, single submitter. Criteria: Invitae Variant Classification Sherloc (09022015). Collection method: clinical testing. Allele origin: germline.
Comment: In summary, the available evidence is currently insufficient to determine the role of this variant in disease. Therefore, it has been classified as a Variant of Uncertain Significance. Algorithms developed to predict the effect of missense changes on protein structure and function (SIFT, PolyPhen-2, Align-GVGD) all suggest that this variant is likely to be tolerated. This variant has not been reported in the literature in individuals affected with SPPL2A-related conditions. This variant is not present in population databases (gnomAD no frequency). This sequence change replaces lysine, which is basic and polar, with glutamic acid, which is acidic and polar, at codon 330 of the SPPL2A protein (p.Lys330Glu).

NM_032802.4(SPPL2A):c.988A>G (p.Lys330Glu)

Gene: SPPL2A (signal peptide peptidase like 2A; minus strand). Cytogenetic location: 15q21.2.
Variant type: single nucleotide variant.
Coding change: c.988A>G on transcript NM_032802.4 (MANE Select); coding-DNA position 988, A replaced by G.
Protein change: p.Lys330Glu; replaces lysine 330 with glutamic acid.
Molecular consequence: missense variant.
Genome position (GRCh38, 1-based): chr15:50,732,629, T>C on the plus strand (A>G on the coding strand, the complement: SPPL2A is on the minus strand). VCF-style: chr15-50732629-T-C. GRCh37 (hg19) VCF-style: chr15-51024826-T-C.
Other names: short protein forms K330E.
Identifiers: ClinVar variation 2816793 (VCV002816793.3), dbSNP rs2542818045, ClinGen allele CA392411328.
Genomic context (GRCh38, chr15:50,732,629, plus strand): 5'-ATTTTAACTAGCAAAGTAGTATTGTATACATTACCTTGAAGTTGGGCAACTTCAGTGTTT[T>C]AATTAAATTCAGACAGAAAGCAATCCCCAAGATATCCTGTAAAATCCAAGCCCACCTAAA-3'
Protein context (NP_116191.2, residues 320-340): LGIAFCLNLI[Lys330Glu]TLKLPNFKSC